The following is an entry in ClinVar:

NM_005732.4(RAD50):c.3737_3740delinsTACT (p.Ala1246_His1247delinsValLeu)

Genes: RAD50 (RAD50 double strand break repair protein; plus strand), TH2-LCR (Th2 cytokine locus control region; plus strand), TH2LCRR (T helper type 2 locus control region associated RNA; minus strand). Cytogenetic location: 5q31.1.
Variant type: Indel.
Coding change: c.3737_3740delinsTACT on transcript NM_005732.4 (MANE Select); coding-DNA positions 3737 to 3740, CACA replaced by TACT.
Protein change: p.Ala1246_His1247delinsValLeu.
Molecular consequence: missense variant.
Genome position (GRCh38, 1-based): chr5:132,640,790-132,640,793, CACA replaced by TACT. VCF-style: chr5-132640790-CACA-TACT. GRCh37 (hg19) VCF-style: chr5-131976482-CACA-TACT.
Identifiers: ClinVar variation 484704 (VCV000484704.5), dbSNP rs1554101203, ClinGen allele CA658657542.
Genomic context (GRCh38, chr5:132,640,790, plus strand): 5'-GCATCATTGCCTTGGATGAGCCAACAACAAATCTTGACCGAGAAAACATTGAATCTCTTG[CACA>TACT]TGCTCTGGTTGAGTAAGTATCTCTTGCACATGCTCTGGTTGAGTAAGTATCTCACATTTG-3'

ClinVar aggregate classification (germline): Uncertain significance (1 of 4 stars; one submission).

Conditions:
Hereditary cancer-predisposing syndrome. Also called: Neoplastic Syndromes, Hereditary; Tumor predisposition; Hereditary Cancer Syndrome; Hereditary neoplastic syndrome. Identifiers: Orphanet 140162, MedGen C0027672, MeSH D009386, MONDO:0015356.

Submission:

Ambry Genetics
Classification: Uncertain significance for Hereditary cancer-predisposing syndrome. Last evaluated: 2017-04-03. Review status: criteria provided, single submitter. Criteria: Ambry Variant Classification Scheme 2023. Collection method: clinical testing. Allele origin: germline.
Comment: The c.3737_3740delCACAinsTACT variant (also known as p.A1246_H1247delinsVL), located in coding exon 24 of the RAD50 gene, results from an in-frame deletion of CACA and insertion of TACT at nucleotide positions 3737 to 3740. This results in the substitution of alanine and histidine residues for a valine and leucine residue at codon 1246 and 1247. These amino acid positions are conserved on very limited sequence alignment. Since supporting evidence is limited at this time, the clinical significance of this alteration remains unclear.